The following is an entry in ClinVar:

NM_017852.5(NLRP2):c.1586C>T (p.Thr529Ile)

Gene: NLRP2 (NLR family pyrin domain containing 2; plus strand). Cytogenetic location: 19q13.42.
Variant type: single nucleotide variant.
Coding change: c.1586C>T on transcript NM_017852.5 (MANE Select); coding-DNA position 1586, C replaced by T.
Protein change: p.Thr529Ile; replaces threonine 529 with isoleucine.
Molecular consequence: missense variant. On other transcripts: non-coding transcript variant (1).
Genome position (GRCh38, 1-based): chr19:54,983,284, C>T. VCF-style: chr19-54983284-C-T. GRCh37 (hg19) VCF-style: chr19-55494652-C-T.
Other names: c.1586C>T, p.Thr529Ile (NM_001174081.3); c.1520C>T, p.Thr507Ile (NM_001174082.3); c.1517C>T, p.Thr506Ile (NM_001174083.2); c.1577C>T, p.Thr526Ile (NM_001348003.2); c.1586C>T (NM_017852.3, NM_001174081.2); short protein forms T506I, T507I, T526I, T529I.
Identifiers: ClinVar variation 1335370 (VCV001335370.37), dbSNP rs113752373, ClinGen allele CA310105055.
Genomic context (GRCh38, chr19:54,983,284, plus strand): 5'-TTCTCACTGCCCTGTTCTACACCCTGGAGAAGGAGGAGGAAGAGGATAGGGACGGCCACA[C>T]CTGGGACATTGGGGACGTACAGAAGCTGCTTTCCGGAGTAGAAAGACTCAGGAACCCCGA-3'
Protein context (NP_060322.1, residues 519-539): KEEEEDRDGH[Thr529Ile]WDIGDVQKLL

ClinVar aggregate classification (germline): Uncertain significance. Review status: criteria provided, multiple submitters, no conflicts (2 of 4 stars). 4 submissions from 4 submitters: Uncertain significance (3). 1 of the submissions does not count toward it. Last evaluated 2025-11-24.

Conditions:
NLRP2-related disorder. Also called: NLRP2-related condition.

Allele frequency attached by ClinVar (database versions not stated): 1000 Genomes Project 30x 0.00109; 1000 Genomes Project 0.00120; ESP Exome Variant Server 0.00169.
gnomAD v4.1: 481 of 1,614,124 alleles (0.03%); highest among the groups gnomAD compares: African/African-American, 0.55%; 6 homozygotes.

Submissions (4):

Ambry Genetics
Classification: Uncertain significance. Last evaluated: 2025-11-24. Review status: criteria provided, single submitter. Criteria: Ambry Variant Classification Scheme 2023. Collection method: clinical testing. Allele origin: germline.

CeGaT Center for Human Genetics Tuebingen
Classification: Uncertain significance. Last evaluated: 2021-12-01. Review status: criteria provided, single submitter. Criteria: CeGaT Center For Human Genetics Tuebingen Variant Classification Criteria Version 2. Collection method: clinical testing. Allele origin: germline. Affected: yes. Observed: 1 variant allele.

Breakthrough Genomics
Classification: Uncertain significance. Review status: criteria provided, single submitter. Criteria: ACMG Guidelines, 2015. Collection method: not provided. Allele origin: germline. Inheritance: Autosomal dominant inheritance. Affected: yes.

PreventionGenetics, part of Exact Sciences
Classification: Benign for NLRP2-related condition. Last evaluated: 2019-03-15. Review status: no assertion criteria provided. Collection method: clinical testing. Allele origin: germline. Not counted in ClinVar's aggregate classification.
Comment: This variant is classified as benign based on ACMG/AMP sequence variant interpretation guidelines (Richards et al. 2015 PMID: 25741868, with internal and published modifications).